The following is an entry in ClinVar:

NM_015450.3(POT1):c.131G>A (p.Cys44Tyr)

Gene: POT1 (protection of telomeres 1; minus strand). Cytogenetic location: 7q31.33.
Variant type: single nucleotide variant.
Coding change: c.131G>A on transcript NM_015450.3 (MANE Select); coding-DNA position 131, G replaced by A.
Protein change: p.Cys44Tyr; replaces cysteine 44 with tyrosine.
Molecular consequence: missense variant. On other transcripts: non-coding transcript variant (3), intron variant (1).
Genome position (GRCh38, 1-based): chr7:124,871,035, C>T on the plus strand (G>A on the coding strand, the complement: POT1 is on the minus strand). VCF-style: chr7-124871035-C-T. GRCh37 (hg19) VCF-style: chr7-124511089-C-T.
Other names: c.-138-7395G>A (NM_001042594.2); short protein forms C44Y.
Identifiers: ClinVar variation 541872 (VCV000541872.10), dbSNP rs1260027166, ClinGen allele CA369061720.
Genomic context (GRCh38, chr7:124,871,035, plus strand): 5'-CCACTAAAGAGCAGGCAAGTTAGTTTTACATTTGTCTGGTCCACAATAGTTACAACTGAG[C>T]AATAATCTGGAAAACACAAAAATATTTTACCTGACTTTCAATATTTTAAAGCATTTGATA-3'
Protein context (NP_056265.2, residues 34-54): PPYLSKGTDY[Cys44Tyr]SVVTIVDQTN

ClinVar aggregate classification (germline): Uncertain significance. Review status: criteria provided, multiple submitters, no conflicts (2 of 4 stars). 2 submissions from 2 submitters: Uncertain significance (2). Last evaluated 2025-07-14.

Conditions:
Tumor predisposition syndrome 3 (TPDS3). Also called: Glioma susceptibility 9; LONG TELOMERE SYNDROME, POT1-RELATED; POT1 Tumor Predisposition; Melanoma, cutaneous malignant, susceptibility to, 10. Identifiers: Orphanet 618, MedGen C4014476, MONDO:0014368, OMIM 615848.
Hereditary cancer-predisposing syndrome. Also called: Hereditary Cancer Syndrome; Neoplastic Syndromes, Hereditary; Hereditary neoplastic syndrome; Tumor predisposition. Identifiers: Orphanet 140162, MedGen C0027672, MeSH D009386, MONDO:0015356.

Allele frequency attached by ClinVar (database versions not stated): gnomAD exomes below 0.00001.
gnomAD v4.1: 2 of 1,579,742 alleles (0.00013%); highest among the groups gnomAD compares: Non-Finnish European, 0.00017%; no homozygotes.

Submissions (2):

Labcorp Genetics (formerly Invitae), Labcorp
Classification: Uncertain significance for Tumor predisposition syndrome 3. Last evaluated: 2025-07-14. Review status: criteria provided, single submitter. Criteria: Invitae Variant Classification Sherloc (09022015). Collection method: clinical testing. Allele origin: germline.
Comment: This sequence change replaces cysteine, which is neutral and slightly polar, with tyrosine, which is neutral and polar, at codon 44 of the POT1 protein (p.Cys44Tyr). The frequency data for this variant in the population databases is considered unreliable, as metrics indicate poor data quality at this position in the gnomAD database. This variant has not been reported in the literature in individuals affected with POT1-related conditions. ClinVar contains an entry for this variant (Variation ID: 541872). Invitae Evidence Modeling of protein sequence and biophysical properties (such as structural, functional, and spatial information, amino acid conservation, physicochemical variation, residue mobility, and thermodynamic stability) indicates that this missense variant is not expected to disrupt POT1 protein function with a negative predictive value of 80%. In summary, the available evidence is currently insufficient to determine the role of this variant in disease. Therefore, it has been classified as a Variant of Uncertain Significance.

Ambry Genetics
Classification: Uncertain significance for Hereditary cancer-predisposing syndrome. Last evaluated: 2023-10-13. Review status: criteria provided, single submitter. Criteria: Ambry Variant Classification Scheme 2023. Collection method: clinical testing. Allele origin: germline.
Comment: The p.C44Y variant (also known as c.131G>A), located in coding exon 3 of the POT1 gene, results from a G to A substitution at nucleotide position 131. The cysteine at codon 44 is replaced by tyrosine, an amino acid with highly dissimilar properties. This amino acid position is conserved. In addition, this alteration is predicted to be deleterious by in silico analysis. Since supporting evidence is limited at this time, the clinical significance of this alteration remains unclear.